The following is an entry in ClinVar:

NM_003742.4(ABCB11):c.2811A>T (p.Gly937=)

Genes: ABCB11 (ATP binding cassette subfamily B member 11; minus strand), LOC126806400 (CDK7 strongly-dependent group 2 enhancer GRCh37_chr2:169791870-169793069; plus strand). Cytogenetic location: 2q31.1.
Variant type: single nucleotide variant.
Coding change: c.2811A>T on transcript NM_003742.4 (MANE Select); coding-DNA position 2811, A replaced by T.
Protein change: p.Gly937=; no amino-acid change (glycine 937 retained).
Molecular consequence: synonymous variant.
Genome position (GRCh38, 1-based): chr2:168,936,233, T>A on the plus strand (A>T on the coding strand, the complement: ABCB11 is on the minus strand). VCF-style: chr2-168936233-T-A. GRCh37 (hg19) VCF-style: chr2-169792743-T-A.
Other names: c.2811A>T, p.Gly937= (LRG_1199t1).
Identifiers: ClinVar variation 291290 (VCV000291290.24), dbSNP rs192375476, ClinGen allele CA1951191.
Genomic context (GRCh38, chr2:168,936,233, plus strand): 5'-GTTTGTCTGATAGCCACTCAGCCATGAGGAATGGGAAAATTAGATCTGCAAGATTACCTG[T>A]CCCACCATCTCCAGGGCCTGCTTATCTCGAGAGGCAAATCCTGTCAACATCCTGGTCTGT-3'
Protein context (NP_003733.2, residues 927-947): SRDKQALEMV[Gly937=]QITNEALSNI

ClinVar aggregate classification (germline): Conflicting classifications of pathogenicity. Review status: criteria provided, conflicting classifications (1 of 4 stars). 5 submissions from 5 submitters: Uncertain significance (3); Benign (1). 1 of the submissions does not count toward it. Last evaluated 2026-01-20.

Conditions:
Progressive familial intrahepatic cholestasis type 2. Identifiers: Orphanet 79304, MedGen C3489789, MONDO:0011156, OMIM 601847.
ABCB11-related disorder. Also called: ABCB11-related condition.

Allele frequency attached by ClinVar (database versions not stated): gnomAD 0.00101 and 0.00095; TOPMed 0.00101; 1000 Genomes Project 0.00120; 1000 Genomes Project 30x 0.00125; gnomAD exomes 0.00021; ExAC 0.00029; ESP Exome Variant Server 0.00064.
gnomAD v4.1: 283 of 1,613,214 alleles (0.018%); highest among the groups gnomAD compares: African/African-American, 0.33%; 1 homozygote.

Submissions (5):

Labcorp Genetics (formerly Invitae), Labcorp
Classification: Benign. Last evaluated: 2026-01-20. Review status: criteria provided, single submitter. Criteria: Invitae Variant Classification Sherloc (09022015). Collection method: clinical testing. Allele origin: germline.

GeneDx
Classification: Uncertain significance. Last evaluated: 2025-10-01. Review status: criteria provided, single submitter. Criteria: GeneDx Variant Classification Process June 2021. Collection method: clinical testing. Allele origin: germline.
Comment: In silico analysis suggests this variant may impact gene splicing. In the absence of RNA/functional studies, the actual effect of this sequence change is unknown.; Has not been previously published as pathogenic or benign to our knowledge

Illumina Laboratory Services, Illumina
Classification: Uncertain significance for Progressive familial intrahepatic cholestasis type 2. Last evaluated: 2018-01-12. Review status: criteria provided, single submitter. Criteria: ICSL Variant Classification Criteria 13 December 2019. Collection method: clinical testing. Allele origin: germline.

Eurofins Ntd Llc (ga)
Classification: Uncertain significance. Last evaluated: 2017-10-13. Review status: criteria provided, single submitter. Criteria: EGL Classification Definitions 2015. Collection method: clinical testing. Allele origin: germline. Observed: 9 variant alleles, 9 heterozygotes.

PreventionGenetics, part of Exact Sciences
Classification: Likely benign for ABCB11-related condition. Last evaluated: 2022-06-01. Review status: no assertion criteria provided. Collection method: clinical testing. Allele origin: germline. Not counted in ClinVar's aggregate classification.
Comment: This variant is classified as likely benign based on ACMG/AMP sequence variant interpretation guidelines (Richards et al. 2015 PMID: 25741868, with internal and published modifications).